The following is an entry in ClinVar:

NM_004836.7(EIF2AK3):c.3071_3087+167del

Genes: EIF2AK3 (eukaryotic translation initiation factor 2 alpha kinase 3; minus strand), EIF2AK3-AS1 (EIF2AK3 antisense RNA 1; plus strand). Cytogenetic location: 2p11.2.
Variant type: Deletion.
Coding change: c.3071_3087+167del on transcript NM_004836.7 (MANE Select); coding-DNA position 3071 through 167 bases into the intron after coding-DNA position 3087, 184 bases deleted.
Molecular consequence: splice donor variant.
Genome position (GRCh38, 1-based): chr2:88,562,122-88,562,305, 184 bases deleted. GRCh37 (hg19): chr2:88,861,642-88,861,825.
Other names: c.2618_2634+167del (NM_001313915.2).
Identifiers: ClinVar variation 2699615 (VCV002699615.4), dbSNP rs2529097896, ClinGen allele CA2697548347.

ClinVar aggregate classification (germline): Likely pathogenic. Review status: criteria provided, multiple submitters, no conflicts (2 of 4 stars). 2 submissions from 2 submitters: Likely pathogenic (2). Last evaluated 2026-01-01.

Conditions:
Syndromic Monogenic Diabetes.

Submissions (2):

Genomic Medicine Center of Excellence, King Faisal Specialist Hospital and Research Centre
Classification: Likely pathogenic for Syndromic Monogenic Diabetes. Last evaluated: 2026-01-01. Review status: criteria provided, single submitter. Criteria: ACMG Guidelines, 2015. Collection method: clinical testing. Allele origin: germline. Affected: yes.

Labcorp Genetics (formerly Invitae), Labcorp
Classification: Likely pathogenic. Last evaluated: 2023-11-28. Review status: criteria provided, single submitter. Criteria: Invitae Variant Classification Sherloc (09022015). Collection method: clinical testing. Allele origin: germline.
Comment: This variant results in the deletion of part of exon 15 (c.3071_3087+167del) of the EIF2AK3 gene. It is expected to disrupt RNA splicing. Variants that disrupt the donor or acceptor splice site typically lead to a loss of protein function (PMID: 16199547), and loss-of-function variants in EIF2AK3 are known to be pathogenic (PMID: 11997520). This variant is not present in population databases (gnomAD no frequency). This variant has not been reported in the literature in individuals affected with EIF2AK3-related conditions. In summary, the currently available evidence indicates that the variant is pathogenic, but additional data are needed to prove that conclusively. Therefore, this variant has been classified as Likely Pathogenic.

Literature cited by the submitters: PubMed 16199547 (cited by Labcorp Genetics (formerly Invitae), Labcorp); PubMed 11997520 (cited by Labcorp Genetics (formerly Invitae), Labcorp).